The following is an entry in ClinVar:

NM_212482.4(FN1):c.4331G>C (p.Arg1444Thr)

Gene: FN1 (fibronectin 1; minus strand). Cytogenetic location: 2q35.
Variant type: single nucleotide variant.
Coding change: c.4331G>C on transcript NM_212482.4 (MANE Select); coding-DNA position 4331, G replaced by C.
Protein change: p.Arg1444Thr; replaces arginine 1444 with threonine.
Molecular consequence: missense variant.
Genome position (GRCh38, 1-based): chr2:215,388,223, C>G on the plus strand (G>C on the coding strand, the complement: FN1 is on the minus strand). VCF-style: chr2-215388223-C-G. GRCh37 (hg19) VCF-style: chr2-216252946-C-G.
Other names: c.4331G>C, p.Arg1444Thr (NM_001306129.2, NM_001365522.2, NM_001306130.2 and 3 more transcripts); c.4058G>C, p.Arg1353Thr (NM_001365523.2, NM_001365524.2, NM_002026.4 and 7 more transcripts); short protein forms R1444T, R1353T.
Identifiers: ClinVar variation 2963309 (VCV002963309.3), dbSNP rs2469685336, ClinGen allele CA350482225.
Genomic context (GRCh38, chr2:215,388,223, plus strand): 5'-AATTGATAGGCAAAAGCTACTGGATAGTCATACTGCCAACACCACTCACCTGTTTTCTGT[C>G]TTCCTCTAAGAGGTGTGCTCTCATGTTGTTCGTAGACACTGGAGACACTCACTACATATT-3'
Protein context (NP_997647.2, residues 1434-1454): EQHESTPLRG[Arg1444Thr]QKTGLDSPTG

ClinVar aggregate classification (germline): Uncertain significance (1 of 4 stars; one submission).

Submission:

Labcorp Genetics (formerly Invitae), Labcorp
Classification: Uncertain significance. Last evaluated: 2024-04-10. Review status: criteria provided, single submitter. Criteria: Invitae Variant Classification Sherloc (09022015). Collection method: clinical testing. Allele origin: germline.
Comment: This sequence change replaces arginine, which is basic and polar, with threonine, which is neutral and polar, at codon 1444 of the FN1 protein (p.Arg1444Thr). This variant is not present in population databases (gnomAD no frequency). This variant has not been reported in the literature in individuals affected with FN1-related conditions. An algorithm developed to predict the effect of missense changes on protein structure and function (PolyPhen-2) suggests that this variant is likely to be tolerated. In summary, the available evidence is currently insufficient to determine the role of this variant in disease. Therefore, it has been classified as a Variant of Uncertain Significance.